The following is an entry in ClinVar:

NM_024426.6(WT1):c.325C>T (p.Pro109Ser)

Genes: WT1 (WT1 transcription factor; minus strand), LOC107982234 (WT1/WT1-AS bi-directional promoter region; plus strand). Cytogenetic location: 11p13.
Variant type: single nucleotide variant.
Coding change: c.325C>T on transcript NM_024426.6 (MANE Select); coding-DNA position 325, C replaced by T.
Protein change: p.Pro109Ser; replaces proline 109 with serine.
Molecular consequence: missense variant. On other transcripts: non-coding transcript variant (2).
Genome position (GRCh38, 1-based): chr11:32,435,036, G>A on the plus strand (C>T on the coding strand, the complement: WT1 is on the minus strand). VCF-style: chr11-32435036-G-A. GRCh37 (hg19) VCF-style: chr11-32456582-G-A.
Other names: c.325C>T, p.Pro109Ser (NM_000378.6, NM_001407044.1, NM_001407045.1 and 6 more transcripts); c.310C>T, p.Pro104Ser (NM_024425.2); short protein forms P104S, P109S.
Identifiers: ClinVar variation 2947926 (VCV002947926.3), dbSNP rs2133104790, ClinGen allele CA379965922.

ClinVar aggregate classification (germline): Uncertain significance (1 of 4 stars; one submission).

Conditions:
Drash syndrome (DDS). Also called: NEPHROPATHY, WILMS TUMOR, AND GENITAL ANOMALIES; WILMS TUMOR AND PSEUDO- OR TRUE HERMAPHRODITISM. Identifiers: Orphanet 220, MedGen C0950121, MONDO:0008682, OMIM 194080.
Wilms tumor 1 (WT1). Also called: Wilms tumor, somatic. Identifiers: Orphanet 654, MedGen CN033288, MONDO:0008679, OMIM 194070.
11p partial monosomy syndrome (WAGR). Also called: CHROMOSOME 11p13 DELETION SYNDROME; WAGR syndrome; WAGR Complex; WAGR Spectrum Disorder. Identifiers: Orphanet 893, MedGen C0206115, MONDO:0008681, OMIM 194072.
Frasier syndrome. Identifiers: Orphanet 347, MedGen C0950122, MeSH D052159, MONDO:0007635, OMIM 136680.

gnomAD v4.1: 1 of 1,459,442 alleles (0.000069%); highest among the groups gnomAD compares: East Asian, 0.0028%; no homozygotes.

Submission:

Labcorp Genetics (formerly Invitae), Labcorp
Classification: Uncertain significance for Wilms tumor 1; Drash syndrome; 11p partial monosomy syndrome; Frasier syndrome. Last evaluated: 2023-11-13. Review status: criteria provided, single submitter. Criteria: Invitae Variant Classification Sherloc (09022015). Collection method: clinical testing. Allele origin: germline.
Comment: This sequence change replaces proline, which is neutral and non-polar, with serine, which is neutral and polar, at codon 104 of the WT1 protein (p.Pro104Ser). This variant is not present in population databases (gnomAD no frequency). This variant has not been reported in the literature in individuals affected with WT1-related conditions. An algorithm developed to predict the effect of missense changes on protein structure and function (PolyPhen-2) suggests that this variant is likely to be disruptive. In summary, the available evidence is currently insufficient to determine the role of this variant in disease. Therefore, it has been classified as a Variant of Uncertain Significance.